The following is an entry in ClinVar:

NM_000553.6(WRN):c.812C>G (p.Ala271Gly)

Gene: WRN (WRN RecQ like helicase; plus strand). Cytogenetic location: 8p12.
Variant type: single nucleotide variant.
Coding change: c.812C>G on transcript NM_000553.6 (MANE Select); coding-DNA position 812, C replaced by G.
Protein change: p.Ala271Gly; replaces alanine 271 with glycine.
Molecular consequence: missense variant.
Genome position (GRCh38, 1-based): chr8:31,076,260, C>G. VCF-style: chr8-31076260-C-G. GRCh37 (hg19) VCF-style: chr8-30933776-C-G.
Other names: short protein forms A271G.
Identifiers: ClinVar variation 1476678 (VCV001476678.6), dbSNP rs1813090020, ClinGen allele CA370918630.

ClinVar aggregate classification (germline): Uncertain significance (1 of 4 stars; one submission).

Conditions:
Werner syndrome (WRN). Identifiers: Orphanet 902, MedGen C0043119, MONDO:0010196, OMIM 277700.

Allele frequency attached by ClinVar (database versions not stated): gnomAD exomes below 0.00001.
gnomAD v4.1: 1 of 1,613,120 alleles (0.000062%); highest among the groups gnomAD compares: Non-Finnish European, 0.000085%; no homozygotes.

Submission:

Labcorp Genetics (formerly Invitae), Labcorp
Classification: Uncertain significance for Werner syndrome. Last evaluated: 2021-01-11. Review status: criteria provided, single submitter. Criteria: Invitae Variant Classification Sherloc (09022015). Collection method: clinical testing. Allele origin: germline.
Comment: In summary, the available evidence is currently insufficient to determine the role of this variant in disease. Therefore, it has been classified as a Variant of Uncertain Significance. Algorithms developed to predict the effect of missense changes on protein structure and function are either unavailable or do not agree on the potential impact of this missense change (SIFT: "Not Available"; PolyPhen-2: "Benign"; Align-GVGD: "Not Available"). This variant has not been reported in the literature in individuals with WRN-related conditions. This variant is not present in population databases (ExAC no frequency). This sequence change replaces alanine with glycine at codon 271 of the WRN protein (p.Ala271Gly). The alanine residue is weakly conserved and there is a small physicochemical difference between alanine and glycine.